The following is an entry in ClinVar:

NM_015466.4(PTPN23):c.456C>T (p.Gly152=)

Gene: PTPN23 (protein tyrosine phosphatase non-receptor type 23; plus strand). Cytogenetic location: 3p21.31.
Variant type: single nucleotide variant.
Coding change: c.456C>T on transcript NM_015466.4 (MANE Select); coding-DNA position 456, C replaced by T.
Protein change: p.Gly152=; no amino-acid change (glycine 152 retained).
Molecular consequence: synonymous variant.
Genome position (GRCh38, 1-based): chr3:47,405,956, C>T. VCF-style: chr3-47405956-C-T. GRCh37 (hg19) VCF-style: chr3-47447446-C-T.
Other names: c.78C>T, p.Gly26= (NM_001304482.2).
Identifiers: ClinVar variation 1445953 (VCV001445953.28), dbSNP rs748500428, ClinGen allele CA2365338.

ClinVar aggregate classification (germline): Likely benign. Review status: criteria provided, multiple submitters, no conflicts (2 of 4 stars). 2 submissions from 2 submitters: Likely benign (2). Last evaluated 2026-09-01.

Allele frequency attached by ClinVar (database versions not stated): gnomAD 0.00005 and 0.00006; gnomAD exomes 0.00005 and 0.00009; ExAC 0.00006; TOPMed 0.00012.
gnomAD v4.1: 139 of 1,613,944 alleles (0.0086%); highest among the groups gnomAD compares: Admixed American, 0.012%; no homozygotes.

Submissions (2):

CeGaT Center for Human Genetics Tuebingen
Classification: Likely benign. Last evaluated: 2026-09-01. Review status: criteria provided, single submitter. Criteria: CeGaT Center For Human Genetics Tuebingen Variant Classification Criteria Version 2. Collection method: clinical testing. Allele origin: germline. Affected: yes. Observed: 2 variant alleles.
Comment: PTPN23: BP4, BP7

Labcorp Genetics (formerly Invitae), Labcorp
Classification: Likely benign. Last evaluated: 2025-12-16. Review status: criteria provided, single submitter. Criteria: Invitae Variant Classification Sherloc (09022015). Collection method: clinical testing. Allele origin: germline.